The following is an entry in ClinVar:

NM_152906.7(TANGO2):c.56+227G>A

Gene: TANGO2 (transport and golgi organization 2 homolog; plus strand). Cytogenetic location: 22q11.21.
Variant type: single nucleotide variant.
Coding change: c.56+227G>A on transcript NM_152906.7 (MANE Select); 227 bases into the intron after coding-DNA position 56, G replaced by A.
Molecular consequence: intron variant. On other transcripts: missense variant (8), 5 prime UTR variant (4), non-coding transcript variant (1).
Genome position (GRCh38, 1-based): chr22:20,037,081, G>A. VCF-style: chr22-20037081-G-A. GRCh37 (hg19) VCF-style: chr22-20024604-G-A.
Other names: c.166G>A, p.Glu56Lys (NM_001283129.3, NM_001283215.3, NM_001322141.2 and 5 more transcripts); c.-137G>A (NM_001322148.2, NM_001322150.2, NM_001322172.2 and 1 more transcripts); c.56+227G>A (NM_001283106.3, NM_001322163.2, NM_001283179.3 and 10 more transcripts); c.-124+227G>A (NM_001322174.2, NM_001322160.2, NM_001322175.2 and 5 more transcripts); short protein forms E56K.
Identifiers: ClinVar variation 3036868 (VCV003036868.3), dbSNP rs193218285, ClinGen allele CA10106168.

ClinVar aggregate classification (germline): Likely benign. Review status: criteria provided, single submitter (1 of 4 stars). 2 submissions from 2 submitters: Likely benign (1). 1 of the submissions does not count toward it. Last evaluated 2024-07-15.

Conditions:
TANGO2-related disorder. Also called: TANGO2-related condition.

Allele frequency attached by ClinVar (database versions not stated): gnomAD exomes 0.00011; gnomAD 0.00015; TOPMed 0.00022; ExAC 0.00042; 1000 Genomes Project 30x 0.00078; 1000 Genomes Project 0.00100.
gnomAD v4.1: 179 of 1,530,318 alleles (0.012%); highest among the groups gnomAD compares: East Asian, 0.38%; 2 homozygotes.

Submissions (2):

Blueprint Genetics
Classification: Likely benign. Last evaluated: 2024-07-15. Review status: criteria provided, single submitter. Criteria: ACMG Guidelines, 2015. Collection method: clinical testing. Allele origin: germline.

PreventionGenetics, part of Exact Sciences
Classification: Likely benign for TANGO2-related condition. Last evaluated: 2021-10-13. Review status: no assertion criteria provided. Collection method: clinical testing. Allele origin: germline. Not counted in ClinVar's aggregate classification.
Comment: This variant is classified as likely benign based on ACMG/AMP sequence variant interpretation guidelines (Richards et al. 2015 PMID: 25741868, with internal and published modifications).